The following is an entry in ClinVar:

NM_014727.3(KMT2B):c.5423C>T (p.Pro1808Leu)

Gene: KMT2B (lysine methyltransferase 2B; plus strand). Cytogenetic location: 19q13.12.
Variant type: single nucleotide variant.
Coding change: c.5423C>T on transcript NM_014727.3 (MANE Select); coding-DNA position 5423, C replaced by T.
Protein change: p.Pro1808Leu; replaces proline 1808 with leucine.
Molecular consequence: missense variant.
Genome position (GRCh38, 1-based): chr19:35,730,853, C>T. VCF-style: chr19-35730853-C-T. GRCh37 (hg19) VCF-style: chr19-36221754-C-T.
Other names: short protein forms P1808L.
Identifiers: ClinVar variation 1313840 (VCV001313840.2), dbSNP rs1338785969, ClinGen allele CA405421931.

ClinVar aggregate classification (germline): Uncertain significance (1 of 4 stars; one submission).

gnomAD v4.1: 3 of 1,607,224 alleles (0.00019%); highest among the groups gnomAD compares: Non-Finnish European, 0.00025%; no homozygotes.

Submission:

GeneDx
Classification: Uncertain significance. Last evaluated: 2020-12-31. Review status: criteria provided, single submitter. Criteria: GeneDx Variant Classification Process June 2021. Collection method: clinical testing. Allele origin: germline. Affected: yes.
Comment: Not observed in large population cohorts (Lek et al., 2016); In silico analysis supports that this missense variant has a deleterious effect on protein structure/function; Has not been previously published as pathogenic or benign to our knowledge